The following is an entry in ClinVar:

ClinVar aggregate classification (germline): Likely pathogenic (1 of 4 stars; one submission).

Conditions:
X-linked intellectual disability Cabezas type (MRXSC). Also called: CABEZAS SYNDROME; MENTAL RETARDATION, X-LINKED, SYNDROMIC 15; Intellectual developmental disorder, X-linked syndromic, Cabezas type. Identifiers: Orphanet 85289, Orphanet 85293, MedGen C1845861, MONDO:0010306, OMIM 300354.

Submission:

Institute of Human Genetics, University of Goettingen
Classification: Likely pathogenic for X-linked intellectual disability Cabezas type. Review status: criteria provided, single submitter. Criteria: ACMG Guidelines, 2015. Collection method: clinical testing. Allele origin: maternal. Inheritance: X-linked recessive inheritance. Affected: yes. Observed: 1 hemizygote.
Comment: ACMG criteria used for classification: PVS1, PM2_sup

NM_001079872.2(CUL4B):c.2403del (p.Phe801fs)

Gene: CUL4B (cullin 4B; minus strand). Cytogenetic location: Xq24.
Variant type: Deletion.
Coding change: c.2403del on transcript NM_001079872.2 (MANE Select); coding-DNA position 2403, one base deleted (C; older notation c.2403delC).
Protein change: p.Phe801fs; shifts the reading frame from phenylalanine 801.
Molecular consequence: frameshift variant.
Genome position (GRCh38, 1-based): chrX:120,532,458, G deleted on the plus strand (C on the coding strand, the reverse complement: CUL4B is on the minus strand). VCF-style (leftmost placement, unchanged base first): chrX-120532457-TG-T. GRCh37 (hg19) VCF-style: chrX-119666312-TG-T.
Other names: c.2418del, p.Phe806fs (NM_001330624.2); c.1869del, p.Phe623fs (NM_001369145.1); c.2457del, p.Phe819fs (NM_003588.4); short protein forms F623fs, F801fs, F806fs, F819fs.
Identifiers: ClinVar variation 3256535 (VCV003256535.2).